The following is an entry in ClinVar:

ClinVar aggregate classification (germline): Uncertain significance (1 of 4 stars; one submission).

Conditions:
Fetal akinesia deformation sequence 1 (FADS1). Also called: Pena-Shokeir syndrome type I; Fetal akinesia sequence. Identifiers: Orphanet 994, MedGen C1276035, MONDO:0100101, OMIM 208150, HP:0001989.
Congenital myasthenic syndrome 9. Also called: Myasthenic syndrome, congenital, 9, associated with acetylcholine receptor deficiency. Identifiers: Orphanet 590, MedGen C4225368, MONDO:0014587, OMIM 616325.

Allele frequency attached by ClinVar (database versions not stated): gnomAD exomes below 0.00001 and 0.00001.
gnomAD v4.1: 3 of 1,614,040 alleles (0.00019%); highest among the groups gnomAD compares: Non-Finnish European, 0.00025%; no homozygotes.

Submission:

Labcorp Genetics (formerly Invitae), Labcorp
Classification: Uncertain significance for Congenital myasthenic syndrome 9; Fetal akinesia deformation sequence 1. Last evaluated: 2021-08-26. Review status: criteria provided, single submitter. Criteria: Invitae Variant Classification Sherloc (09022015). Collection method: clinical testing. Allele origin: germline.
Comment: This sequence change replaces aspartic acid with valine at codon 312 of the MUSK protein (p.Asp312Val). The aspartic acid residue is moderately conserved and there is a large physicochemical difference between aspartic acid and valine. This variant is not present in population databases (ExAC no frequency). This variant has not been reported in the literature in individuals affected with MUSK-related conditions. Advanced modeling of protein sequence and biophysical properties (such as structural, functional, and spatial information, amino acid conservation, physicochemical variation, residue mobility, and thermodynamic stability) performed at Invitae indicates that this missense variant is not expected to disrupt MUSK protein function. In summary, the available evidence is currently insufficient to determine the role of this variant in disease. Therefore, it has been classified as a Variant of Uncertain Significance.

NM_005592.4(MUSK):c.935A>T (p.Asp312Val)

Gene: MUSK (muscle associated receptor tyrosine kinase; plus strand). Cytogenetic location: 9q31.3.
Variant type: single nucleotide variant.
Coding change: c.935A>T on transcript NM_005592.4 (MANE Select); coding-DNA position 935, A replaced by T.
Protein change: p.Asp312Val; replaces aspartic acid 312 with valine.
Molecular consequence: missense variant. On other transcripts: 5 prime UTR variant (1), intron variant (2).
Genome position (GRCh38, 1-based): chr9:110,767,834, A>T. VCF-style: chr9-110767834-A-T. GRCh37 (hg19) VCF-style: chr9-113530114-A-T.
Other names: c.-302A>T (NM_001369398.1); c.950+5626A>T (NM_001166280.2); c.920+5626A>T (NM_001166281.2); short protein forms D312V.
Identifiers: ClinVar variation 1400341 (VCV001400341.5), dbSNP rs1362784498, ClinGen allele CA374468630.